The following is an entry in ClinVar:

NM_000548.5(TSC2):c.3397+1G>T

Gene: TSC2 (TSC complex subunit 2; plus strand). Cytogenetic location: 16p13.3.
Variant type: single nucleotide variant.
Coding change: c.3397+1G>T on transcript NM_000548.5 (MANE Select); the canonical splice donor site of the intron after coding-DNA position 3397, G replaced by T.
Molecular consequence: splice donor variant.
Genome position (GRCh38, 1-based): chr16:2,079,670, G>T. VCF-style: chr16-2079670-G-T. GRCh37 (hg19) VCF-style: chr16-2129671-G-T.
Other names: c.1924+1G>T (NM_001406693.1, NM_001406690.1, NM_001406692.1 and 1 more transcripts); c.3358+1G>T (NM_001406667.1); c.3355+1G>T (NM_001406668.1); c.2797+1G>T (NM_001406680.1, NM_001406683.1, NM_001406682.1); c.2665+1G>T (NM_001406687.1, NM_001318831.2, NM_001406688.1); c.2053+1G>T (NM_001406689.1); c.1921+1G>T (NM_001406691.1, NM_001406697.1, NM_001406695.1 and 1 more transcripts); c.1663+1G>T (NM_001406698.1); and 18 more.
Identifiers: ClinVar variation 1068835 (VCV001068835.9), dbSNP rs137854208, ClinGen allele CA394286847.

ClinVar aggregate classification (germline): Pathogenic (1 of 4 stars; one submission).

Conditions:
Tuberous sclerosis 2 (TSC2). Identifiers: Orphanet 805, MedGen C1860707, MONDO:0013199, OMIM 613254.

Submission:

Labcorp Genetics (formerly Invitae), Labcorp
Classification: Pathogenic for Tuberous sclerosis 2. Last evaluated: 2024-11-11. Review status: criteria provided, single submitter. Criteria: Invitae Variant Classification Sherloc (09022015). Collection method: clinical testing. Allele origin: germline.
Comment: This sequence change affects a donor splice site in intron 29 of the TSC2 gene. It is expected to disrupt RNA splicing. Variants that disrupt the donor or acceptor splice site typically lead to a loss of protein function (PMID: 16199547), and loss-of-function variants in TSC2 are known to be pathogenic (PMID: 10205261, 17304050). This variant is not present in population databases (gnomAD no frequency). Disruption of this splice site has been observed in individuals with clinical features of tuberous sclerosis complex (PMID: 10533067; internal data). ClinVar contains an entry for this variant (Variation ID: 1068835). Algorithms developed to predict the effect of sequence changes on RNA splicing suggest that this variant may disrupt the consensus splice site. For these reasons, this variant has been classified as Pathogenic.

Literature cited by the submitters: PubMed 16199547; PubMed 10205261; PubMed 17304050; PubMed 10533067.